The following is an entry in ClinVar:

ClinVar aggregate classification (germline): Likely benign (1 of 4 stars; one submission).

Submission:

CeGaT Center for Human Genetics Tuebingen
Classification: Likely benign. Last evaluated: 2026-05-01. Review status: criteria provided, single submitter. Criteria: CeGaT Center For Human Genetics Tuebingen Variant Classification Criteria Version 2. Collection method: clinical testing. Allele origin: germline. Affected: yes. Observed: 3 variant alleles.
Comment: FAHD2B: BS2

NM_001320848.2(FAHD2B):c.154G>A (p.Val52Ile)

Gene: FAHD2B (fumarylacetoacetate hydrolase domain containing 2B; minus strand). Cytogenetic location: 2q11.2.
Variant type: single nucleotide variant.
Coding change: c.154G>A on transcript NM_001320848.2 (MANE Select); coding-DNA position 154, G replaced by A.
Protein change: p.Val52Ile; replaces valine 52 with isoleucine.
Molecular consequence: missense variant.
Genome position (GRCh38, 1-based): chr2:97,091,553, C>T on the plus strand (G>A on the coding strand, the complement: FAHD2B is on the minus strand). VCF-style: chr2-97091553-C-T. GRCh37 (hg19) VCF-style: chr2-97757290-C-T.
Other names: c.154G>A, p.Val52Ile (NM_001320849.2, NM_199336.3); short protein forms V52I.
Identifiers: ClinVar variation 4681303 (VCV004681303.5).